The following is an entry in ClinVar:

NM_017827.4(SARS2):c.1291C>T (p.Arg431Cys)

Gene: SARS2 (seryl-tRNA synthetase 2, mitochondrial; minus strand). Cytogenetic location: 19q13.2.
Variant type: single nucleotide variant.
Coding change: c.1291C>T on transcript NM_017827.4 (MANE Select); coding-DNA position 1291, C replaced by T.
Protein change: p.Arg431Cys; replaces arginine 431 with cysteine.
Molecular consequence: missense variant.
Genome position (GRCh38, 1-based): chr19:38,916,093, G>A on the plus strand (C>T on the coding strand, the complement: SARS2 is on the minus strand). VCF-style: chr19-38916093-G-A. GRCh37 (hg19) VCF-style: chr19-39406733-G-A.
Other names: c.1297C>T, p.Arg433Cys (NM_001145901.2); short protein forms R431C, R433C.
Identifiers: ClinVar variation 423155 (VCV000423155.5), dbSNP rs752872984, ClinGen allele CA9422788.

ClinVar aggregate classification (germline): Uncertain significance. Review status: criteria provided, multiple submitters, no conflicts (2 of 4 stars). 3 submissions from 3 submitters: Uncertain significance (3). Last evaluated 2024-06-16.

Conditions:
Hyperuricemia, pulmonary hypertension, renal failure, alkalosis syndrome (HUPRAS). Also called: HYPERURICEMIA, PULMONARY HYPERTENSION, RENAL FAILURE, AND ALKALOSIS SYNDROME; HUPRA SYNDROME. Identifiers: Orphanet 363694, MedGen C3151209, MONDO:0013458, OMIM 613845.

Allele frequency attached by ClinVar (database versions not stated): gnomAD exomes below 0.00001 and 0.00001; ExAC 0.00001; gnomAD 0.00005 and 0.00006; TOPMed 0.00005.

Submissions (3):

Ambry Genetics
Classification: Uncertain significance. Last evaluated: 2024-06-16. Review status: criteria provided, single submitter. Criteria: Ambry Variant Classification Scheme 2023. Collection method: clinical testing. Allele origin: germline.

GeneDx
Classification: Uncertain significance. Last evaluated: 2024-05-28. Review status: criteria provided, single submitter. Criteria: GeneDx Variant Classification Process June 2021. Collection method: clinical testing. Allele origin: germline. Affected: yes.
Comment: Not observed at significant frequency in large population cohorts (gnomAD); In silico analysis supports that this missense variant has a deleterious effect on protein structure/function; Has not been previously published as pathogenic or benign to our knowledge

Fulgent Genetics
Classification: Uncertain significance for Hyperuricemia, pulmonary hypertension, renal failure, alkalosis syndrome. Last evaluated: 2021-10-20. Review status: criteria provided, single submitter. Criteria: ACMG Guidelines, 2015. Collection method: clinical testing. Allele origin: unknown.